The following is an entry in ClinVar:

ClinVar aggregate classification (germline): Benign/Likely benign. Review status: criteria provided, multiple submitters, no conflicts (2 of 4 stars). 5 submissions from 5 submitters: Benign (2); Likely benign (3). Last evaluated 2026-01-28.

Conditions:
Pontoneocerebellar hypoplasia. Also called: Pontocerebellar hypoplasia; Non-syndromic pontocerebellar hypoplasia. Identifiers: Orphanet 98523, MedGen C1261175, MONDO:0020135.

Allele frequency attached by ClinVar (database versions not stated): gnomAD 0.00006 and 0.00033; TOPMed 0.00008; gnomAD exomes 0.00057 and 0.00112; ExAC 0.00128; 1000 Genomes Project 30x 0.00203; 1000 Genomes Project 0.00260.
gnomAD v4.1: 878 of 1,612,328 alleles (0.054%); highest among the groups gnomAD compares: South Asian, 0.83%; 6 homozygotes.

Submissions (5):

Labcorp Genetics (formerly Invitae), Labcorp
Classification: Benign. Last evaluated: 2026-01-28. Review status: criteria provided, single submitter. Criteria: Invitae Variant Classification Sherloc (09022015). Collection method: clinical testing. Allele origin: germline.

Blueprint Genetics
Classification: Likely benign. Last evaluated: 2024-11-19. Review status: criteria provided, single submitter. Criteria: ACMG Guidelines, 2015. Collection method: clinical testing. Allele origin: germline.

CeGaT Center for Human Genetics Tuebingen
Classification: Likely benign. Last evaluated: 2023-10-01. Review status: criteria provided, single submitter. Criteria: CeGaT Center For Human Genetics Tuebingen Variant Classification Criteria Version 2. Collection method: clinical testing. Allele origin: germline. Affected: yes. Observed: 2 variant alleles.
Comment: TSEN2: BP4, BP7

Illumina Laboratory Services, Illumina
Classification: Likely benign for Pontoneocerebellar hypoplasia. Last evaluated: 2018-01-12. Review status: criteria provided, single submitter. Criteria: ICSL Variant Classification Criteria 13 December 2019. Collection method: clinical testing. Allele origin: germline.
Comment: This variant was observed in the ICSL laboratory as part of a predisposition screen in an ostensibly healthy population. It had not been previously curated by ICSL or reported in the Human Gene Mutation Database (HGMD: prior to June 1st, 2018), and was therefore a candidate for classification through an automated scoring system. Utilizing variant allele frequency, disease prevalence and penetrance estimates, and inheritance mode, an automated score was calculated to assess if this variant is too frequent to cause the disease. Based on the score and internal cut-off values, a variant classified as likely benign is not then subjected to further curation. The score for this variant resulted in a classification of likely benign for this disease.

Eurofins Ntd Llc (ga)
Classification: Benign. Last evaluated: 2015-04-10. Review status: criteria provided, single submitter. Criteria: EGL Classification Definitions 2015. Collection method: clinical testing. Allele origin: germline. Observed: 1 variant allele, 1 heterozygote.

NM_025265.4(TSEN2):c.870A>G (p.Pro290=)

Gene: TSEN2 (tRNA splicing endonuclease subunit 2; plus strand). Cytogenetic location: 3p25.2.
Variant type: single nucleotide variant.
Coding change: c.870A>G on transcript NM_025265.4 (MANE Select); coding-DNA position 870, A replaced by G.
Protein change: p.Pro290=; no amino-acid change (proline 290 retained).
Molecular consequence: synonymous variant. On other transcripts: non-coding transcript variant (1), intron variant (2).
Genome position (GRCh38, 1-based): chr3:12,505,192, A>G. VCF-style: chr3-12505192-A-G. GRCh37 (hg19) VCF-style: chr3-12546691-A-G.
Other names: c.870A>G, p.Pro290= (NM_001145392.2, NM_001321277.2, NM_001321278.2); c.693A>G, p.Pro231= (NM_001145394.2); c.831+1408A>G (NM_001321279.2, NM_001145393.3).
Identifiers: ClinVar variation 198268 (VCV000198268.41), dbSNP rs542708828, ClinGen allele CA203337.
Genomic context (GRCh38, chr3:12,505,192, plus strand): 5'-TATTGTATTTCTTTCTCTTTAGTTGGTGCAAAGAAACAGGTTAATATGCAGAAGAAATCC[A>G]TATAGGATCTTTGAGTATTTGCAACTCAGCCTAGAAGAGGTATGTTTTCAACATATTATT-3'
Protein context (NP_079541.1, residues 280-300): QRNRLICRRN[Pro290=]YRIFEYLQLS